The following is an entry in ClinVar:

NM_001032283.3(TMPO):c.565+1132T>A

Gene: TMPO (thymopoietin; plus strand). Cytogenetic location: 12q23.1.
Variant type: single nucleotide variant.
Coding change: c.565+1132T>A on transcript NM_001032283.3 (MANE Select); 1132 bases into the intron after coding-DNA position 565, T replaced by A.
Molecular consequence: intron variant. On other transcripts: missense variant (1).
Genome position (GRCh38, 1-based): chr12:98,532,970, T>A. VCF-style: chr12-98532970-T-A. GRCh37 (hg19) VCF-style: chr12-98926748-T-A.
Other names: c.713T>A, p.Leu238Gln (NM_003276.2); c.565+1132T>A (NM_001307975.2, NM_001032284.3); short protein forms L238Q.
Identifiers: ClinVar variation 3458772 (VCV003458772.1).

ClinVar aggregate classification (germline): Uncertain significance (1 of 4 stars; one submission).

Submission:

Ambry Genetics
Classification: Uncertain significance. Last evaluated: 2024-10-28. Review status: criteria provided, single submitter. Criteria: Ambry Variant Classification Scheme 2023. Collection method: clinical testing. Allele origin: germline.
Comment: The p.L238Q variant (also known as c.713T>A), located in coding exon 4 of the TMPO gene, results from a T to A substitution at nucleotide position 713. The leucine at codon 238 is replaced by glutamine, an amino acid with dissimilar properties. This amino acid position is conserved. In addition, this alteration is predicted to be tolerated by in silico analysis. Based on the available evidence, the clinical significance of this variant remains unclear.